The following is an entry in ClinVar:

ClinVar aggregate classification (germline): Conflicting classifications of pathogenicity. Review status: criteria provided, conflicting classifications (1 of 4 stars). 3 submissions from 3 submitters: Uncertain significance (2); Likely benign (1). Last evaluated 2025-09-11.

Allele frequency attached by ClinVar (database versions not stated): gnomAD exomes 0.00003.
gnomAD v4.1: 38 of 1,613,772 alleles (0.0024%); highest among the groups gnomAD compares: Non-Finnish European, 0.0032%; no homozygotes.

Submissions (3):

GeneDx
Classification: Uncertain significance. Last evaluated: 2025-09-11. Review status: criteria provided, single submitter. Criteria: GeneDx Variant Classification Process June 2021. Collection method: clinical testing. Allele origin: germline.
Comment: In silico analysis suggests that this missense variant does not alter protein structure/function; Has not been previously published as pathogenic or benign to our knowledge

Labcorp Genetics (formerly Invitae), Labcorp
Classification: Likely benign. Last evaluated: 2022-07-26. Review status: criteria provided, single submitter. Criteria: Invitae Variant Classification Sherloc (09022015). Collection method: clinical testing. Allele origin: germline.

Blueprint Genetics
Classification: Uncertain significance. Last evaluated: 2021-09-14. Review status: criteria provided, single submitter. Criteria: ACMG Guidelines, 2015. Collection method: clinical testing. Allele origin: germline.

NM_030912.3(TRIM8):c.1517T>C (p.Leu506Pro)

Gene: TRIM8 (tripartite motif containing 8; plus strand). Cytogenetic location: 10q24.32.
Variant type: single nucleotide variant.
Coding change: c.1517T>C on transcript NM_030912.3 (MANE Select); coding-DNA position 1517, T replaced by C.
Protein change: p.Leu506Pro; replaces leucine 506 with proline.
Molecular consequence: missense variant. On other transcripts: non-coding transcript variant (1).
Genome position (GRCh38, 1-based): chr10:102,657,215, T>C. VCF-style: chr10-102657215-T-C. GRCh37 (hg19) VCF-style: chr10-104416972-T-C.
Other names: c.1421T>C, p.Leu474Pro (NM_001345950.1); c.1517T>C (NM_030912.2); short protein forms L506P, L474P.
Identifiers: ClinVar variation 2184422 (VCV002184422.6), dbSNP rs1229805074, ClinGen allele CA377932925.
Genomic context (GRCh38, chr10:102,657,215, plus strand): 5'-CCTACCCCCGCTCCGGCCACTTTCCCTGGACAGTGCCCTCGCAGGAGTACTCACACCCGC[T>C]CCCGCCCACACCCTCCGTCCCCCAGTCCCTTCCCAGCCTGGCGGTCAGAGACTGGCTTGA-3'
Protein context (NP_112174.2, residues 496-516): TVPSQEYSHP[Leu506Pro]PPTPSVPQSL